The following is an entry in ClinVar:

ClinVar aggregate classification (germline): Uncertain significance. Review status: criteria provided, multiple submitters, no conflicts (2 of 4 stars). 4 submissions from 4 submitters: Uncertain significance (4). Last evaluated 2025-02-17.

Conditions:
Dilated cardiomyopathy 1O (CMD1O). Also called: CARDIOMYOPATHY, DILATED, WITH VENTRICULAR TACHYCARDIA. Identifiers: Orphanet 154, MedGen C1837839, MONDO:0012062, OMIM 608569.
Hypertrichotic osteochondrodysplasia Cantu type. Also called: Cantu Syndrome; Cantú Syndrome. Identifiers: Orphanet 1517, MedGen C0795905, MONDO:0009406, OMIM 239850.
Atrial fibrillation, familial, 12 (ATFB12). Identifiers: MedGen C3279695, MONDO:0013545, OMIM 614050.
Intellectual disability and myopathy syndrome (IDMYS). Identifiers: MedGen C5676904, MONDO:0859224, OMIM 619719.
Cardiovascular phenotype. Identifiers: MedGen CN230736.

Allele frequency attached by ClinVar (database versions not stated): gnomAD exomes 0.00002 and 0.00004; gnomAD 0.00003 and 0.00004; TOPMed 0.00003; ESP Exome Variant Server 0.00008.
gnomAD v4.1: 59 of 1,602,438 alleles (0.0037%); highest among the groups gnomAD compares: Non-Finnish European, 0.0045%; no homozygotes.

Submissions (4):

Ambry Genetics
Classification: Uncertain significance for Cardiovascular phenotype. Last evaluated: 2025-02-17. Review status: criteria provided, single submitter. Criteria: Ambry Variant Classification Scheme 2023. Collection method: clinical testing. Allele origin: germline.
Comment: The p.S1402C variant (also known as c.4205C>G), located in coding exon 34 of the ABCC9 gene, results from a C to G substitution at nucleotide position 4205. The serine at codon 1402 is replaced by cysteine, an amino acid with dissimilar properties. This variant was reported in an individual with Brugada syndrome, who also had an SCN5A pathogenic mutation identified; Limited patch clamp studies indicate that this alteration may impact channel function, but the clinical impact of these findings is unknown (Hu D et al. Int. J. Cardiol., 2014 Feb;171:431-42). This amino acid position is well conserved in available vertebrate species. In addition, this alteration is predicted to be deleterious by in silico analysis. Since supporting evidence is limited at this time, the clinical significance of this alteration remains unclear.

Labcorp Genetics (formerly Invitae), Labcorp
Classification: Uncertain significance for Dilated cardiomyopathy 1O. Last evaluated: 2025-01-28. Review status: criteria provided, single submitter. Criteria: Invitae Variant Classification Sherloc (09022015). Collection method: clinical testing. Allele origin: germline.
Comment: This sequence change replaces serine, which is neutral and polar, with cysteine, which is neutral and slightly polar, at codon 1402 of the ABCC9 protein (p.Ser1402Cys). This variant is present in population databases (rs369587958, gnomAD 0.004%). This missense change has been observed in individual(s) with ABCC9-related conditions (PMID: 24439875). ClinVar contains an entry for this variant (Variation ID: 582030). Invitae Evidence Modeling of protein sequence and biophysical properties (such as structural, functional, and spatial information, amino acid conservation, physicochemical variation, residue mobility, and thermodynamic stability) has been performed for this missense variant. However, the output from this modeling did not meet the statistical confidence thresholds required to predict the impact of this variant on ABCC9 protein function. Experimental studies have shown that this missense change affects ABCC9 function (PMID: 24439875). In summary, the available evidence is currently insufficient to determine the role of this variant in disease. Therefore, it has been classified as a Variant of Uncertain Significance.

Fulgent Genetics
Classification: Uncertain significance for Hypertrichotic osteochondrodysplasia Cantu type; Dilated cardiomyopathy 1O; Atrial fibrillation, familial, 12; Intellectual disability and myopathy syndrome. Last evaluated: 2021-11-10. Review status: criteria provided, single submitter. Criteria: ACMG Guidelines, 2015. Collection method: clinical testing. Allele origin: unknown.

Centre for Mendelian Genomics, University Medical Centre Ljubljana
Classification: Uncertain significance for Dilated cardiomyopathy 1O. Last evaluated: 2018-12-05. Review status: criteria provided, single submitter. Criteria: ACMG Guidelines, 2015. Collection method: clinical testing. Allele origin: unknown. Affected: yes.
Comment: This variant was classified as: Uncertain significance. The available evidence on this variant's pathogenicity is insufficient or conflicting. The following ACMG criteria were applied in classifying this variant: PP3.

Literature cited by the submitters: PubMed 24439875 (cited by Ambry Genetics and Labcorp Genetics (formerly Invitae), Labcorp); PubMed 30662450 (cited by Ambry Genetics); PubMed 30821013 (cited by Ambry Genetics).

NM_020297.4(ABCC9):c.4205C>G (p.Ser1402Cys)

Genes: ABCC9 (ATP binding cassette subfamily C member 9; minus strand), KCNJ8-AS1 (KCNJ8 antisense RNA 1; plus strand). Cytogenetic location: 12p12.1.
Variant type: single nucleotide variant.
Coding change: c.4205C>G on transcript NM_020297.4 (MANE Select); coding-DNA position 4205, C replaced by G.
Protein change: p.Ser1402Cys; replaces serine 1402 with cysteine.
Molecular consequence: missense variant.
Genome position (GRCh38, 1-based): chr12:21,812,055, G>C on the plus strand (C>G on the coding strand, the complement: ABCC9 is on the minus strand). VCF-style: chr12-21812055-G-C. GRCh37 (hg19) VCF-style: chr12-21964989-G-C.
Other names: c.4205C>G, p.Ser1402Cys (NM_001377273.1, NM_005691.4); c.3338C>G, p.Ser1113Cys (NM_001377274.1); short protein forms S1402C, S1113C.
Identifiers: ClinVar variation 582030 (VCV000582030.18), dbSNP rs369587958, ClinGen allele CA233612360.